The following is an entry in ClinVar:

ClinVar aggregate classification (germline): Uncertain significance (1 of 4 stars; one submission).

Conditions:
Inborn genetic diseases. Identifiers: MedGen C0950123, MeSH D030342.

Submission:

Ambry Genetics
Classification: Uncertain significance for Inborn genetic diseases. Last evaluated: 2022-01-30. Review status: criteria provided, single submitter. Criteria: Ambry Variant Classification Scheme 2023. Collection method: clinical testing. Allele origin: germline.
Comment: The p.S924I variant (also known as c.2771G>T), located in coding exon 13 of the ATR gene, results from a G to T substitution at nucleotide position 2771. The serine at codon 924 is replaced by isoleucine, an amino acid with dissimilar properties. This amino acid position is conserved. In addition, this alteration is predicted to be tolerated by in silico analysis. Since supporting evidence is limited at this time, the clinical significance of this alteration remains unclear.

NM_001184.4(ATR):c.2771G>T (p.Ser924Ile)

Gene: ATR (ATR checkpoint kinase; minus strand). Cytogenetic location: 3q23.
Variant type: single nucleotide variant.
Coding change: c.2771G>T on transcript NM_001184.4 (MANE Select); coding-DNA position 2771, G replaced by T.
Protein change: p.Ser924Ile; replaces serine 924 with isoleucine.
Molecular consequence: missense variant.
Genome position (GRCh38, 1-based): chr3:142,553,261, C>A on the plus strand (G>T on the coding strand, the complement: ATR is on the minus strand). VCF-style: chr3-142553261-C-A. GRCh37 (hg19) VCF-style: chr3-142272103-C-A.
Other names: c.2579G>T, p.Ser860Ile (NM_001354579.2); short protein forms S860I, S924I.
Identifiers: ClinVar variation 1795817 (VCV001795817.2), dbSNP rs2473379641, ClinGen allele CA354814333.